The following is an entry in ClinVar:

NM_005732.4(RAD50):c.2086G>T (p.Glu696Ter)

Gene: RAD50 (RAD50 double strand break repair protein; plus strand). Cytogenetic location: 5q31.1.
Variant type: single nucleotide variant.
Coding change: c.2086G>T on transcript NM_005732.4 (MANE Select); coding-DNA position 2086, G replaced by T.
Protein change: p.Glu696Ter; replaces glutamic acid 696 with a stop codon.
Molecular consequence: nonsense.
Genome position (GRCh38, 1-based): chr5:132,595,689, G>T. VCF-style: chr5-132595689-G-T. GRCh37 (hg19) VCF-style: chr5-131931381-G-T.
Other names: short protein forms E696*.
Identifiers: ClinVar variation 527380 (VCV000527380.9), dbSNP rs1388500583, ClinGen allele CA360949954.

ClinVar aggregate classification (germline): Pathogenic. Review status: criteria provided, multiple submitters, no conflicts (2 of 4 stars). 2 submissions from 2 submitters: Pathogenic (2). Last evaluated 2024-04-15.

Conditions:
Hereditary cancer-predisposing syndrome. Also called: Neoplastic Syndromes, Hereditary; Tumor predisposition; Hereditary Cancer Syndrome; Hereditary neoplastic syndrome. Identifiers: Orphanet 140162, MedGen C0027672, MeSH D009386, MONDO:0015356.

Submissions (2):

Labcorp Genetics (formerly Invitae), Labcorp
Classification: Pathogenic for Hereditary cancer-predisposing syndrome. Last evaluated: 2024-04-15. Review status: criteria provided, single submitter. Criteria: Invitae Variant Classification Sherloc (09022015). Collection method: clinical testing. Allele origin: germline.
Comment: This sequence change creates a premature translational stop signal (p.Glu696*) in the RAD50 gene. It is expected to result in an absent or disrupted protein product. Loss-of-function variants in RAD50 are known to be pathogenic (PMID: 19409520). This variant is not present in population databases (gnomAD no frequency). This variant has not been reported in the literature in individuals affected with RAD50-related conditions. ClinVar contains an entry for this variant (Variation ID: 527380). For these reasons, this variant has been classified as Pathogenic.

Ambry Genetics
Classification: Pathogenic for Hereditary cancer-predisposing syndrome. Last evaluated: 2022-09-27. Review status: criteria provided, single submitter. Criteria: Ambry Variant Classification Scheme 2023. Collection method: clinical testing. Allele origin: germline.
Comment: The p.E696* pathogenic mutation (also known as c.2086G>T), located in coding exon 13 of the RAD50 gene, results from a G to T substitution at nucleotide position 2086. This changes the amino acid from a glutamic acid to a stop codon within coding exon 13. This variant is considered to be rare based on population cohorts in the Genome Aggregation Database (gnomAD). This alteration is expected to result in loss of function by premature protein truncation or nonsense-mediated mRNA decay. As such, this alteration is interpreted as a disease-causing mutation.

Literature cited by the submitters: PubMed 19409520 (cited by Labcorp Genetics (formerly Invitae), Labcorp).